The following is an entry in ClinVar:

NM_004168.4(SDHA):c.-7A>C

Gene: SDHA (succinate dehydrogenase complex flavoprotein subunit A; plus strand). Cytogenetic location: 5p15.33.
Variant type: single nucleotide variant.
Coding change: c.-7A>C on transcript NM_004168.4 (MANE Select); 7 bases upstream of the start codon, A replaced by C.
Molecular consequence: 5 prime UTR variant.
Genome position (GRCh38, 1-based): chr5:218,349, A>C. VCF-style: chr5-218349-A-C. GRCh37 (hg19) VCF-style: chr5-218464-A-C.
Other names: c.-7A>C (NM_001294332.2, NM_001330758.2).
Identifiers: ClinVar variation 371942 (VCV000371942.74), dbSNP rs751633537, ClinGen allele CA3172666.

ClinVar aggregate classification (germline): Conflicting classifications of pathogenicity. Review status: criteria provided, conflicting classifications (1 of 4 stars). 19 submissions from 17 submitters: Uncertain significance (4); Benign (1); Likely benign (11). 3 of the submissions do not count toward it. Last evaluated 2026-09-01.

Conditions:
Hereditary cancer-predisposing syndrome. Also called: Tumor predisposition; Neoplastic Syndromes, Hereditary; Hereditary neoplastic syndrome; Hereditary Cancer Syndrome. Identifiers: Orphanet 140162, MedGen C0027672, MeSH D009386, MONDO:0015356.
Pheochromocytoma/paraganglioma syndrome 5. Also called: Paragangliomas 5; SDHA-Related Hereditary Paraganglioma-Pheochromocytoma Syndrome. Identifiers: Orphanet 29072, MedGen C3279992, MONDO:0013602, OMIM 614165.
Mitochondrial complex II deficiency, nuclear type 1. Also called: SUCCINATE CoQ REDUCTASE DEFICIENCY. Identifiers: Orphanet 3208, MedGen C5700310, MONDO:0100294, OMIM 252011.
Hereditary pheochromocytoma and paraganglioma. Also called: Hereditary Paraganglioma-Pheochromocytoma Syndromes; Hereditary paragangliomas and pheochromocytomas; Hereditary pheochromocytoma-paraganglioma. Identifiers: Orphanet 29072, MedGen C4274332, MONDO:0017366.
Leigh syndrome (NULS). Also called: Leigh's syndrome; Subacute necrotizing encephalopathy; Necrotizing encephalopathy infantile subacute of Leigh; Leigh Disease; LEIGH SYNDROME, NUCLEAR; Leigh Syndrome (mtDNA deletion). Identifiers: Orphanet 506, MedGen C2931891, MONDO:0009723, OMIM 256000.

Allele frequency attached by ClinVar (database versions not stated): 1000 Genomes Project 30x 0.00062; TOPMed 0.00080.
gnomAD v4.1: 1,460 of 1,455,416 alleles (0.1%); highest among the groups gnomAD compares: Middle Eastern, 0.45%; 1 homozygote.

Submissions (19):

CeGaT Center for Human Genetics Tuebingen
Classification: Likely benign. Last evaluated: 2026-09-01. Review status: criteria provided, single submitter. Criteria: CeGaT Center For Human Genetics Tuebingen Variant Classification Criteria Version 2. Collection method: clinical testing. Allele origin: germline. Affected: yes. Observed: 25 variant alleles.
Comment: SDHA: BS2

Labcorp Genetics (formerly Invitae), Labcorp
Classification: Likely benign for Pheochromocytoma/paraganglioma syndrome 5; Mitochondrial complex II deficiency, nuclear type 1. Last evaluated: 2025-10-06. Review status: criteria provided, single submitter. Criteria: Invitae Variant Classification Sherloc (09022015). Collection method: clinical testing. Allele origin: germline.

Ambry Genetics
Classification: Likely benign for Hereditary cancer-predisposing syndrome. Last evaluated: 2025-07-11. Review status: criteria provided, single submitter. Criteria: Ambry Variant Classification Scheme 2023. Collection method: clinical testing. Allele origin: germline.

Mayo Clinic Laboratories, Mayo Clinic
Classification: Likely benign. Last evaluated: 2025-04-15. Review status: criteria provided, single submitter. Criteria: ACMG Guidelines, 2015. Collection method: clinical testing. Allele origin: germline. Observed: 5 variant alleles.
Comment: BS1, BP4, BP7

Quest Diagnostics Nichols Institute San Juan Capistrano
Classification: Likely benign. Last evaluated: 2025-04-03. Review status: criteria provided, single submitter. Criteria: Quest Diagnostics criteria. Collection method: clinical testing. Allele origin: unknown.

Center for Genomic Medicine, Rigshospitalet, Copenhagen University Hospital
Classification: Likely benign. Last evaluated: 2025-03-04. Review status: criteria provided, single submitter. Criteria: ACMG Guidelines, 2015. Collection method: clinical testing. Allele origin: germline.

ARUP Laboratories, Molecular Genetics and Genomics, ARUP Laboratories
Classification: Likely benign. Last evaluated: 2025-01-12. Review status: criteria provided, single submitter. Criteria: ARUP Molecular Germline Variant Investigation Process 2024. Collection method: clinical testing. Allele origin: germline.

Blueprint Genetics
Classification: Likely benign. Last evaluated: 2024-11-26. Review status: criteria provided, single submitter. Criteria: ACMG Guidelines, 2015. Collection method: clinical testing. Allele origin: germline.

Department of Pathology and Laboratory Medicine, Sinai Health System
Classification: Uncertain significance for Hereditary pheochromocytoma and paraganglioma. Last evaluated: 2024-05-23. Review status: criteria provided, single submitter. Criteria: ACMG Guidelines, 2015. Collection method: clinical testing. Allele origin: germline. Affected: yes.

Myriad Genetics, Inc.
Classification: Likely benign for Pheochromocytoma/paraganglioma syndrome 5. Last evaluated: 2023-04-21. Review status: criteria provided, single submitter. Criteria: Myriad Autosomal Dominant, Autosomal Recessive and X-Linked Classification Criteria (2023). Collection method: clinical testing. Allele origin: unknown.
Comment: This variant is considered likely benign. This variant has been observed at a population frequency that is significantly greater than expected given the associated disease prevalence and penetrance.

Genetic Services Laboratory, University of Chicago
Classification: Uncertain significance. Last evaluated: 2021-10-07. Review status: criteria provided, single submitter. Criteria: ACMG Guidelines, 2015. Collection method: clinical testing. Allele origin: germline. Affected: no.

Sema4
Classification: Likely benign for Hereditary cancer-predisposing syndrome. Last evaluated: 2020-10-02. Review status: criteria provided, single submitter. Criteria: Sema4 Curation Guidelines. Collection method: curation. Allele origin: germline.

Illumina Laboratory Services, Illumina
Classification: Uncertain significance for Mitochondrial complex II deficiency, nuclear type 1. Last evaluated: 2017-04-27. Review status: criteria provided, single submitter. Criteria: ICSL Variant Classification Criteria 13 December 2019. Collection method: clinical testing. Allele origin: germline.

Illumina Laboratory Services, Illumina
Classification: Benign for Hereditary Paraganglioma-Pheochromocytoma Syndromes. Last evaluated: 2017-04-27. Review status: criteria provided, single submitter. Criteria: ICSL Variant Classification Criteria 13 December 2019. Collection method: clinical testing. Allele origin: germline.
Comment: This variant was observed as part of a predisposition screen in an ostensibly healthy population. A literature search was performed for the gene, cDNA change, and amino acid change (where applicable). No publications were found based on this search. Allele frequency data from public databases was too high to be consistent with this variant causing disease. Therefore, this variant is classified as benign.

Illumina Laboratory Services, Illumina
Classification: Uncertain significance for Leigh syndrome. Last evaluated: 2017-04-27. Review status: criteria provided, single submitter. Criteria: ICSL Variant Classification Criteria 13 December 2019. Collection method: clinical testing. Allele origin: germline.

GeneDx
Classification: Likely benign. Last evaluated: 2017-03-01. Review status: criteria provided, single submitter. Criteria: GeneDx Variant Classification (06012015). Collection method: clinical testing. Allele origin: germline. Affected: yes.
Comment: This variant is considered likely benign or benign based on one or more of the following criteria: it is a conservative change, it occurs at a poorly conserved position in the protein, it is predicted to be benign by multiple in silico algorithms, and/or has population frequency not consistent with disease.

Counsyl
Classification: Uncertain significance for Pheochromocytoma/paraganglioma syndrome 5. Last evaluated: 2016-08-31. Review status: no assertion criteria provided. Collection method: clinical testing. Allele origin: unknown. Not counted in ClinVar's aggregate classification.

Diagnostic Laboratory, Department of Genetics, University Medical Center Groningen
Classification: Likely benign. Review status: no assertion criteria provided. Collection method: clinical testing. Allele origin: germline. Affected: yes. Study: VKGL Data-share Consensus. Not counted in ClinVar's aggregate classification.

Joint Genome Diagnostic Labs from Nijmegen and Maastricht, Radboudumc and MUMC+
Classification: Likely benign. Review status: no assertion criteria provided. Collection method: clinical testing. Allele origin: germline. Affected: yes. Study: VKGL Data-share Consensus. Not counted in ClinVar's aggregate classification.

Literature cited by the submitters: PubMed 34426522 (cited by Mayo Clinic Laboratories, Mayo Clinic); PubMed 25394176 (cited by Quest Diagnostics Nichols Institute San Juan Capistrano).